The following is an entry in ClinVar:

NM_080732.4(EGLN2):c.127C>T (p.Pro43Ser)

Genes: EGLN2 (egl-9 family hypoxia inducible factor 2; plus strand), RAB4B-EGLN2 (RAB4B-EGLN2 readthrough (NMD candidate); plus strand). Cytogenetic location: 19q13.2.
Variant type: single nucleotide variant.
Coding change: c.127C>T on transcript NM_080732.4 (MANE Select); coding-DNA position 127, C replaced by T.
Protein change: p.Pro43Ser; replaces proline 43 with serine.
Molecular consequence: missense variant. On other transcripts: non-coding transcript variant (1).
Genome position (GRCh38, 1-based): chr19:40,800,699, C>T. VCF-style: chr19-40800699-C-T. GRCh37 (hg19) VCF-style: chr19-41306604-C-T.
Other names: c.127C>T, p.Pro43Ser (NM_053046.4); short protein forms P43S.
Identifiers: ClinVar variation 3228983 (VCV003228983.1), dbSNP rs763296530, ClinGen allele CA9452152.
Genomic context (GRCh38, chr19:40,800,699, plus strand): 5'-GAGCCCTTGGAGCCTGAGCCTGGCCGGGCCAGGATGGGAGTGGAGAGTTACCTGCCCTGT[C>T]CCCTGCTCCCCTCCTACCACTGTCCAGGAGTGCCTAGTGAGGCCTCGGCAGGGAGTGGGA-3'
Protein context (NP_542770.2, residues 33-53): RMGVESYLPC[Pro43Ser]LLPSYHCPGV

ClinVar aggregate classification (germline): Uncertain significance (1 of 4 stars; one submission).

Allele frequency attached by ClinVar (database versions not stated): TOPMed below 0.00001; ExAC 0.00001; gnomAD 0.00001.
gnomAD v4.1: 14 of 1,613,940 alleles (0.00087%); highest among the groups gnomAD compares: Admixed American, 0.0017%; no homozygotes.

Submission:

Ambry Genetics
Classification: Uncertain significance. Last evaluated: 2023-11-15. Review status: criteria provided, single submitter. Criteria: Ambry Variant Classification Scheme 2023. Collection method: clinical testing. Allele origin: germline.
Comment: The p.P43S variant (also known as c.127C>T), located in coding exon 1 of the EGLN2 gene, results from a C to T substitution at nucleotide position 127. The proline at codon 43 is replaced by serine, an amino acid with similar properties. This amino acid position is conserved. In addition, this alteration is predicted to be tolerated by in silico analysis. Since supporting evidence is limited at this time, the clinical significance of this alteration remains unclear.